The following is an entry in ClinVar:

NM_138694.4(PKHD1):c.5508C>G (p.Tyr1836Ter)

Gene: PKHD1 (PKHD1 ciliary IPT domain containing fibrocystin/polyductin; minus strand). Cytogenetic location: 6p12.2.
Variant type: single nucleotide variant.
Coding change: c.5508C>G on transcript NM_138694.4 (MANE Select); coding-DNA position 5508, C replaced by G.
Protein change: p.Tyr1836Ter; replaces tyrosine 1836 with a stop codon.
Molecular consequence: nonsense.
Genome position (GRCh38, 1-based): chr6:52,017,502, G>C on the plus strand (C>G on the coding strand, the complement: PKHD1 is on the minus strand). VCF-style: chr6-52017502-G-C. GRCh37 (hg19) VCF-style: chr6-51882300-G-C.
Other names: c.5508C>G, p.Tyr1836Ter (NM_170724.3); short protein forms Y1836*.
Identifiers: ClinVar variation 3255044 (VCV003255044.1), dbSNP rs2538214996.

ClinVar aggregate classification (germline): Pathogenic (1 of 4 stars; one submission).

Conditions:
Polycystic kidney disease 4 (PKD4). Also called: POLYCYSTIC KIDNEY DISEASE 4 WITH OR WITHOUT POLYCYSTIC LIVER DISEASE; PKD3; POLYCYSTIC KIDNEY AND HEPATIC DISEASE 1; POLYCYSTIC KIDNEY DISEASE, INFANTILE, TYPE I; Autosomal Recessive Polycystic Kidney Disease – PKHD1. Identifiers: MedGen C4540575, MONDO:0033004, OMIM 263200.

Allele frequency attached by ClinVar (database versions not stated): gnomAD exomes below 0.00001.
gnomAD v4.1: 1 of 1,614,000 alleles (0.000062%); highest among the groups gnomAD compares: Non-Finnish European, 0.000085%; no homozygotes.

Submission:

Victorian Clinical Genetics Services, Murdoch Childrens Research Institute
Classification: Pathogenic for Polycystic kidney disease 4. Last evaluated: 2023-12-21. Review status: criteria provided, single submitter. Criteria: ACMG Guidelines, 2015. Collection method: clinical testing. Allele origin: germline. Inheritance: Autosomal recessive inheritance. Affected: yes.
Comment: Based on the classification scheme VCGS_Germline_v1.3.4, this variant is classified as Pathogenic. Following criteria are met: 0102 - Loss of function is a known mechanism of disease in this gene and is associated with polycystic kidney disease 4, with or without hepatic disease (MIM#263200). (I) 0106 - This gene is associated with autosomal recessive disease; however, there are emerging reports of heterozygous carriers of PKHD1 variants developing liver cysts and nephrocalcinosis (PMID: 21945273). (I) 0115 - Variants in this gene are known to have variable expressivity. Significant intrafamilial variability has been reported (GeneReviews). (I) 0201 - Variant is predicted to cause nonsense-mediated decay (NMD) and loss of protein (premature termination codon is located at least 54 nucleotides upstream of the final exon-exon junction). (SP) 0251 - This variant is heterozygous. (I) 0301 - Variant is absent from gnomAD (both v2 and v3). (SP) 0701 - Other NMD-predicted variants comparable to the one identified in this case have very strong previous evidence for pathogenicity. These variants have been reported many times as pathogenic (DECIPHER). (SP) 0807 - This variant has no previous evidence of pathogenicity. (I) 0905 - No published segregation evidence has been identified for this variant. (I) 1007 - No published functional evidence has been identified for this variant. (I) 1208 - Inheritance information for this variant is not currently available in this individual. (I) Legend: (SP) - Supporting pathogenic, (I) - Information, (SB) - Supporting benign

Literature cited by the submitters: PubMed 21945273.